The following is an entry in ClinVar:

ClinVar aggregate classification (germline): Uncertain significance. Review status: criteria provided, multiple submitters, no conflicts (2 of 4 stars). 2 submissions from 2 submitters: Uncertain significance (2). Last evaluated 2025-12-11.

Conditions:
Hereditary cancer-predisposing syndrome. Also called: Hereditary Cancer Syndrome; Tumor predisposition; Hereditary neoplastic syndrome; Neoplastic Syndromes, Hereditary. Identifiers: Orphanet 140162, MedGen C0027672, MeSH D009386, MONDO:0015356.
Retinoblastoma (RB1). Also called: RETINOBLASTOMA, SOMATIC. Identifiers: Orphanet 790, MedGen C0035335, MeSH D012175, MONDO:0008380, OMIM 180200, HP:0009919. Disease mechanism: loss of function. Inheritance: Both sporadic and heritable forms are tested..

Submissions (2):

Ambry Genetics
Classification: Uncertain significance for Hereditary cancer-predisposing syndrome. Last evaluated: 2025-12-11. Review status: criteria provided, single submitter. Criteria: Ambry Variant Classification Scheme 2023. Collection method: clinical testing. Allele origin: germline.

Labcorp Genetics (formerly Invitae), Labcorp
Classification: Uncertain significance for Retinoblastoma. Last evaluated: 2024-07-25. Review status: criteria provided, single submitter. Criteria: Invitae Variant Classification Sherloc (09022015). Collection method: clinical testing. Allele origin: germline.
Comment: This sequence change replaces leucine, which is neutral and non-polar, with serine, which is neutral and polar, at codon 158 of the RB1 protein (p.Leu158Ser). This variant is not present in population databases (gnomAD no frequency). This variant has not been reported in the literature in individuals affected with RB1-related conditions. Advanced modeling of protein sequence and biophysical properties (such as structural, functional, and spatial information, amino acid conservation, physicochemical variation, residue mobility, and thermodynamic stability) performed at Invitae indicates that this missense variant is not expected to disrupt RB1 protein function with a negative predictive value of 80%. In summary, the available evidence is currently insufficient to determine the role of this variant in disease. Therefore, it has been classified as a Variant of Uncertain Significance.

NM_000321.3(RB1):c.473T>C (p.Leu158Ser)

Gene: RB1 (RB transcriptional corepressor 1; plus strand). Cytogenetic location: 13q14.2.
Variant type: single nucleotide variant.
Coding change: c.473T>C on transcript NM_000321.3 (MANE Select); coding-DNA position 473, T replaced by C.
Protein change: p.Leu158Ser; replaces leucine 158 with serine.
Molecular consequence: missense variant.
Genome position (GRCh38, 1-based): chr13:48,345,172, T>C. VCF-style: chr13-48345172-T-C. GRCh37 (hg19) VCF-style: chr13-48919308-T-C.
Other names: c.473T>C, p.Leu158Ser (NM_001407165.1, NM_001407166.1); short protein forms L158S.
Identifiers: ClinVar variation 3660572 (VCV003660572.3).